The following is an entry in ClinVar:

ClinVar aggregate classification (germline): Conflicting classifications of pathogenicity. Review status: criteria provided, conflicting classifications (1 of 4 stars). 10 submissions from 9 submitters: Uncertain significance (8); Likely benign (1). 1 of the submissions does not count toward it. Last evaluated 2026-05-05.

Conditions:
PCDH15-related disorder. Also called: PCDH15-related disorders; PCDH15-related condition.
Inborn genetic diseases. Identifiers: MedGen C0950123, MeSH D030342.
Usher syndrome type 1 (USH1). Also called: RETINITIS PIGMENTOSA AND CONGENITAL DEAFNESS. Identifiers: Orphanet 231169, Orphanet 886, MedGen C1568247, MONDO:0010168, OMIM 276900.
Autosomal recessive nonsyndromic hearing loss 23. Identifiers: Orphanet 90636, MedGen C1836027, MONDO:0012293, OMIM 609533.
Usher syndrome type 1F (USH1F). Also called: USHER SYNDROME, TYPE IF. Identifiers: Orphanet 231169, Orphanet 886, MedGen C1865885, MONDO:0011186, OMIM 602083.

Allele frequency attached by ClinVar (database versions not stated): gnomAD 0.00002; gnomAD exomes 0.00002 and 0.00003; TOPMed 0.00008.
gnomAD v4.1: 31 of 1,613,938 alleles (0.0019%); highest among the groups gnomAD compares: Admixed American, 0.013%; no homozygotes.

Submissions (10):

PreventionGenetics, part of Exact Sciences
Classification: Uncertain significance for PCDH15-related condition. Last evaluated: 2026-05-05. Review status: criteria provided, single submitter. Criteria: ACMG Guidelines, 2015. Collection method: clinical testing. Allele origin: germline.
Comment: The PCDH15 c.1169A>G variant is predicted to result in the amino acid substitution p.Asn390Ser. To our knowledge, this variant has not been reported in the literature. This variant is reported in 0.012% of alleles in individuals of Latino descent in gnomAD. At this time, the clinical significance of this variant is uncertain due to the absence of conclusive functional and genetic evidence.

Labcorp Genetics (formerly Invitae), Labcorp
Classification: Likely benign. Last evaluated: 2025-12-14. Review status: criteria provided, single submitter. Criteria: Invitae Variant Classification Sherloc (09022015). Collection method: clinical testing. Allele origin: germline.

Ambry Genetics
Classification: Uncertain significance for Inborn genetic diseases. Last evaluated: 2025-09-21. Review status: criteria provided, single submitter. Criteria: Ambry Variant Classification Scheme 2023. Collection method: clinical testing. Allele origin: germline.

Blueprint Genetics
Classification: Uncertain significance. Last evaluated: 2024-09-04. Review status: criteria provided, single submitter. Criteria: ACMG Guidelines, 2015. Collection method: clinical testing. Allele origin: germline.

GeneDx
Classification: Uncertain significance. Last evaluated: 2022-11-08. Review status: criteria provided, single submitter. Criteria: GeneDx Variant Classification Process June 2021. Collection method: clinical testing. Allele origin: germline. Affected: yes.
Comment: In silico analysis supports that this missense variant has a deleterious effect on protein structure/function; Has not been previously published as pathogenic or benign to our knowledge

Genome-Nilou Lab
Classification: Uncertain significance for Autosomal recessive nonsyndromic hearing loss 23. Last evaluated: 2021-07-14. Review status: criteria provided, single submitter. Criteria: ACMG Guidelines, 2015. Collection method: clinical testing. Allele origin: germline. Affected: no.

Genome-Nilou Lab
Classification: Uncertain significance for Usher syndrome type 1F. Last evaluated: 2021-07-14. Review status: criteria provided, single submitter. Criteria: ACMG Guidelines, 2015. Collection method: clinical testing. Allele origin: germline. Affected: no.

Illumina Laboratory Services, Illumina
Classification: Uncertain significance for Usher syndrome type 1. Last evaluated: 2018-01-12. Review status: criteria provided, single submitter. Criteria: ICSL Variant Classification Criteria 13 December 2019. Collection method: clinical testing. Allele origin: germline.

Laboratory for Molecular Medicine, Mass General Brigham Personalized Medicine
Classification: Uncertain significance. Last evaluated: 2010-10-07. Review status: criteria provided, single submitter. Criteria: LMM Criteria. Collection method: clinical testing. Allele origin: germline. Observed: 1 variant allele.
Comment: The Asn390Ser variant in PCDH15 has not been reported in the literature nor prev iously identified by our laboratory. This residue is conserved across species an d computational analyses (homology, PolyPhen, SIFT, AlignGVGD) suggest that the Asn390Ser variant may impact the protein. However, this information is not predi ctive enough to assume pathogenicity. It should be noted that this lab has only sequenced the PCDH15 in 170 patients and limited controls such that the full spe ctrum of benign variation has not yet been defined for this gene, increasing the possibility that this may be a benign variant. In summary, the clinical signifi cance of this variant cannot be determined with certainty at this time.

Natera, Inc.
Classification: Uncertain significance for Usher syndrome type 1F. Last evaluated: 2019-11-11. Review status: no assertion criteria provided. Collection method: clinical testing. Allele origin: germline. Not counted in ClinVar's aggregate classification.

NM_001384140.1(PCDH15):c.1169A>G (p.Asn390Ser)

Gene: PCDH15 (protocadherin related 15; minus strand). Cytogenetic location: 10q21.1.
Variant type: single nucleotide variant.
Coding change: c.1169A>G on transcript NM_001384140.1 (MANE Select); coding-DNA position 1169, A replaced by G.
Protein change: p.Asn390Ser; replaces asparagine 390 with serine.
Molecular consequence: missense variant.
Genome position (GRCh38, 1-based): chr10:54,195,819, T>C on the plus strand (A>G on the coding strand, the complement: PCDH15 is on the minus strand). VCF-style: chr10-54195819-T-C. GRCh37 (hg19) VCF-style: chr10-55955579-T-C.
Other names: c.1184A>G, p.Asn395Ser (NM_001142763.2, NM_001142769.4, NM_001142771.2); c.1169A>G, p.Asn390Ser (NM_001142764.2, NM_001142765.2, NM_001142766.2 and 7 more transcripts); c.1058A>G, p.Asn353Ser (NM_001142767.2); c.1103A>G, p.Asn368Ser (NM_001142768.2, NM_001142773.2, NM_001354404.2); short protein forms N390S, N353S, N368S, N395S.
Identifiers: ClinVar variation 46437 (VCV000046437.24), dbSNP rs397517450, ClinGen allele CA138363.